The following is an entry in ClinVar:

NC_000017.10:g.(?_56432304)_(56440981_?)del

Gene: RNF43 (ring finger protein 43; minus strand). Cytogenetic location: 17q22.
Variant type: Deletion.
Identifiers: ClinVar variation 3243196 (VCV003243196.1).

ClinVar aggregate classification (germline): Uncertain significance (1 of 4 stars; one submission).

Submission:

Labcorp Genetics (formerly Invitae), Labcorp
Classification: Uncertain significance. Last evaluated: 2024-01-17. Review status: criteria provided, single submitter. Criteria: Invitae Variant Classification Sherloc (09022015). Collection method: clinical testing. Allele origin: unknown.
Comment: This variant is a gross deletion of the genomic region encompassing exon(s) 4-10 of the RNF43 gene, which includes the termination codon. This deletion extends beyond the assayed region for this gene and therefore may encompass additional genes. While this deletion is not anticipated to lead to nonsense mediated decay, it is expected to alter mRNA translation or result in a truncated protein product. This variant has not been reported in the literature in individuals affected with RNF43-related conditions. In summary, the available evidence is currently insufficient to determine the role of this variant in disease. Therefore, it has been classified as a Variant of Uncertain Significance.